The following is an entry in ClinVar:

NM_015338.6(ASXL1):c.4145C>G (p.Ala1382Gly)

Gene: ASXL1 (ASXL transcriptional regulator 1; plus strand). Cytogenetic location: 20q11.21.
Variant type: single nucleotide variant.
Coding change: c.4145C>G on transcript NM_015338.6 (MANE Select); coding-DNA position 4145, C replaced by G.
Protein change: p.Ala1382Gly; replaces alanine 1382 with glycine.
Molecular consequence: missense variant.
Genome position (GRCh38, 1-based): chr20:32,436,857, C>G. VCF-style: chr20-32436857-C-G. GRCh37 (hg19) VCF-style: chr20-31024660-C-G.
Other names: c.3962C>G, p.Ala1321Gly (NM_001363734.1); short protein forms A1321G, A1382G.
Identifiers: ClinVar variation 4864815 (VCV004864815.1).

ClinVar aggregate classification (germline): Uncertain significance (1 of 4 stars; one submission).

Conditions:
Inborn genetic diseases. Identifiers: MedGen C0950123, MeSH D030342.

gnomAD v4.1: 2 of 1,614,134 alleles (0.00012%); highest among the groups gnomAD compares: Non-Finnish European, 0.00017%; no homozygotes.

Submission:

Ambry Genetics
Classification: Uncertain significance for Inborn genetic diseases. Last evaluated: 2026-05-24. Review status: criteria provided, single submitter. Criteria: Ambry Variant Classification Scheme 2023. Collection method: clinical testing. Allele origin: germline.
Comment: The p.A1382G variant (also known as c.4145C>G), located in coding exon 13 of the ASXL1 gene, results from a C to G substitution at nucleotide position 4145. The alanine at codon 1382 is replaced by glycine, an amino acid with similar properties. This amino acid position is conserved. In addition, this alteration is predicted to be tolerated by in silico analysis. Based on the available evidence, the clinical significance of this variant remains unclear.